The following is an entry in ClinVar:

ClinVar aggregate classification (germline): Conflicting classifications of pathogenicity. Review status: criteria provided, conflicting classifications (1 of 4 stars). 2 submissions from 2 submitters: Uncertain significance (1); Likely benign (1). Last evaluated 2024-03-29.

Conditions:
Neurofibromatosis, type 1 (NF1). Also called: Peripheral type neurofibromatosis; VON RECKLINGHAUSEN DISEASE; NEUROFIBROMATOSIS, TYPE I, SOMATIC; Neurofibromatosis, type I. Identifiers: Orphanet 636, MedGen C0027831, MONDO:0018975, OMIM 162200. Disease mechanism: loss of function.
Cardiovascular phenotype. Identifiers: MedGen CN230736.
Hereditary cancer-predisposing syndrome. Also called: Neoplastic Syndromes, Hereditary; Hereditary Cancer Syndrome; Tumor predisposition; Hereditary neoplastic syndrome. Identifiers: Orphanet 140162, MedGen C0027672, MeSH D009386, MONDO:0015356.

Allele frequency attached by ClinVar (database versions not stated): gnomAD exomes below 0.00001 and 0.00001.
gnomAD v4.1: 2 of 1,612,568 alleles (0.00012%); highest among the groups gnomAD compares: East Asian, 0.0045%; no homozygotes.

Submissions (2):

Labcorp Genetics (formerly Invitae), Labcorp
Classification: Uncertain significance for Neurofibromatosis, type 1. Last evaluated: 2024-03-29. Review status: criteria provided, single submitter. Criteria: Invitae Variant Classification Sherloc (09022015). Collection method: clinical testing. Allele origin: germline.
Comment: This sequence change replaces phenylalanine, which is neutral and non-polar, with cysteine, which is neutral and slightly polar, at codon 579 of the NF1 protein (p.Phe579Cys). This variant is present in population databases (no rsID available, gnomAD 0.01%). This variant has not been reported in the literature in individuals affected with NF1-related conditions. ClinVar contains an entry for this variant (Variation ID: 1432794). Advanced modeling of protein sequence and biophysical properties (such as structural, functional, and spatial information, amino acid conservation, physicochemical variation, residue mobility, and thermodynamic stability) performed at Invitae indicates that this missense variant is expected to disrupt NF1 protein function with a positive predictive value of 95%. In summary, the available evidence is currently insufficient to determine the role of this variant in disease. Therefore, it has been classified as a Variant of Uncertain Significance.

Ambry Genetics
Classification: Likely benign for Cardiovascular phenotype; Hereditary cancer-predisposing syndrome. Last evaluated: 2023-11-22. Review status: criteria provided, single submitter. Criteria: Ambry Variant Classification Scheme 2023. Collection method: clinical testing. Allele origin: germline.

NM_001042492.3(NF1):c.1736T>G (p.Phe579Cys)

Gene: NF1 (neurofibromin 1; plus strand). Cytogenetic location: 17q11.2.
Variant type: single nucleotide variant.
Coding change: c.1736T>G on transcript NM_001042492.3 (MANE Select); coding-DNA position 1736, T replaced by G.
Protein change: p.Phe579Cys; replaces phenylalanine 579 with cysteine.
Molecular consequence: missense variant.
Genome position (GRCh38, 1-based): chr17:31,223,458, T>G. VCF-style: chr17-31223458-T-G. GRCh37 (hg19) VCF-style: chr17-29550476-T-G.
Other names: c.1736T>G, p.Phe579Cys (NM_000267.4); short protein forms F579C.
Identifiers: ClinVar variation 1432794 (VCV001432794.8), dbSNP rs1398363349, ClinGen allele CA399004028.